The following is an entry in ClinVar:

ClinVar aggregate classification (germline): Uncertain significance. Review status: criteria provided, multiple submitters, no conflicts (2 of 4 stars). 6 submissions from 5 submitters: Uncertain significance (6). Last evaluated 2024-09-13.

Conditions:
Age related macular degeneration 14. Also called: MACULAR DEGENERATION, AGE-RELATED, 14, REDUCED RISK OF. Identifiers: MedGen C3809653, MONDO:0014207, OMIM 615489.
Complement component 2 deficiency (C2D). Also called: C2 deficiency. Identifiers: MedGen C0398756, MONDO:0009006, OMIM 217000.

Allele frequency attached by ClinVar (database versions not stated): TOPMed 0.00015; 1000 Genomes Project 30x 0.00016; 1000 Genomes Project 0.00020; ESP Exome Variant Server 0.00024.
gnomAD v4.1: 96 of 1,612,956 alleles (0.006%); highest among the groups gnomAD compares: African/African-American, 0.092%; 1 homozygote.

Submissions (6):

Blueprint Genetics
Classification: Uncertain significance. Last evaluated: 2024-09-13. Review status: criteria provided, single submitter. Criteria: ACMG Guidelines, 2015. Collection method: clinical testing. Allele origin: germline.

Labcorp Genetics (formerly Invitae), Labcorp
Classification: Uncertain significance. Last evaluated: 2022-06-26. Review status: criteria provided, single submitter. Criteria: Invitae Variant Classification Sherloc (09022015). Collection method: clinical testing. Allele origin: germline.
Comment: This sequence change replaces arginine, which is basic and polar, with leucine, which is neutral and non-polar, at codon 734 of the C2 protein (p.Arg734Leu). This variant is present in population databases (rs146067615, gnomAD 0.07%). This variant has not been reported in the literature in individuals affected with C2-related conditions. ClinVar contains an entry for this variant (Variation ID: 356260). Algorithms developed to predict the effect of missense changes on protein structure and function are either unavailable or do not agree on the potential impact of this missense change (SIFT: "Deleterious"; PolyPhen-2: "Benign"; Align-GVGD: "Class C65"). Algorithms developed to predict the effect of sequence changes on RNA splicing suggest that this variant may create or strengthen a splice site. In summary, the available evidence is currently insufficient to determine the role of this variant in disease. Therefore, it has been classified as a Variant of Uncertain Significance.

Ambry Genetics
Classification: Uncertain significance. Last evaluated: 2021-07-21. Review status: criteria provided, single submitter. Criteria: Ambry Variant Classification Scheme 2023. Collection method: clinical testing. Allele origin: germline.

Illumina Laboratory Services, Illumina
Classification: Uncertain significance for Complement component 2 deficiency. Last evaluated: 2018-01-13. Review status: criteria provided, single submitter. Criteria: ICSL Variant Classification Criteria 13 December 2019. Collection method: clinical testing. Allele origin: germline.

Illumina Laboratory Services, Illumina
Classification: Uncertain significance for Age related macular degeneration 14. Last evaluated: 2018-01-13. Review status: criteria provided, single submitter. Criteria: ICSL Variant Classification Criteria 13 December 2019. Collection method: clinical testing. Allele origin: germline.

Breakthrough Genomics
Classification: Uncertain significance. Review status: criteria provided, single submitter. Criteria: ACMG Guidelines, 2015. Collection method: not provided. Allele origin: germline. Inheritance: Autosomal recessive inheritance. Affected: yes.

NM_000063.6(C2):c.2201G>T (p.Arg734Leu)

Gene: C2 (complement C2; plus strand). Cytogenetic location: 6p21.33.
Variant type: single nucleotide variant.
Coding change: c.2201G>T on transcript NM_000063.6 (MANE Select); coding-DNA position 2201, G replaced by T.
Protein change: p.Arg734Leu; replaces arginine 734 with leucine.
Molecular consequence: missense variant.
Genome position (GRCh38, 1-based): chr6:31,945,299, G>T. VCF-style: chr6-31945299-G-T. GRCh37 (hg19) VCF-style: chr6-31913076-G-T.
Other names: c.1805G>T, p.Arg602Leu (NM_001145903.3); c.1559G>T, p.Arg520Leu (NM_001178063.3); c.1463G>T, p.Arg488Leu (NM_001282457.2); c.2114G>T, p.Arg705Leu (NM_001282458.2); short protein forms R734L, R602L, R520L, R488L, R705L.
Identifiers: ClinVar variation 356260 (VCV000356260.12), dbSNP rs146067615, ClinGen allele CA3727910.